The following is an entry in ClinVar:

ClinVar aggregate classification (germline): Likely benign (0 of 4 stars; one submission).

Conditions:
IVNS1ABP-related disorder. Also called: IVNS1ABP-related condition.

Submission:

PreventionGenetics, part of Exact Sciences
Classification: Likely benign for IVNS1ABP-related condition. Last evaluated: 2023-10-18. Review status: no assertion criteria provided. Collection method: clinical testing. Allele origin: germline.
Comment: This variant is classified as likely benign based on ACMG/AMP sequence variant interpretation guidelines (Richards et al. 2015 PMID: 25741868, with internal and published modifications).

NM_006469.5(IVNS1ABP):c.282-7dup

Gene: IVNS1ABP (influenza virus NS1A binding protein; minus strand). Cytogenetic location: 1q25.3.
Variant type: Duplication.
Coding change: c.282-7dup on transcript NM_006469.5 (MANE Select); 7 bases into the intron before coding-DNA position 282, one base duplicated (T; older notation c.282-7dupT).
Molecular consequence: intron variant.
Genome position (GRCh38, 1-based): chr1:185,308,882, A duplicated on the plus strand (T on the coding strand, the reverse complement: IVNS1ABP is on the minus strand); the first of 9 consecutive A bases (chr1:185,308,882-185,308,890); duplicating any one gives the same sequence. VCF-style (leftmost placement, unchanged base first): chr1-185308881-T-TA. GRCh37 (hg19) VCF-style: chr1-185278013-T-TA.
Identifiers: ClinVar variation 3047896 (VCV003047896.2), dbSNP rs748447429, ClinGen allele CA1290641.
Genomic context (GRCh38, chr1:185,308,881, plus strand): 5'-CAGCTTTTTTGCTGCAGAATAAACATCTTTTACCAATTCCTTATCTGCTTTCAACCTATT[T>TA]AAAAAAAAAGTTACTTATGATACCAAAGCCTTAAAACACACTTAATTTAAATATATGTAG-3'